The following is an entry in ClinVar:

ClinVar aggregate classification (germline): Uncertain significance (1 of 4 stars; one submission).

Conditions:
Cardiovascular phenotype. Identifiers: MedGen CN230736.
Hereditary cancer-predisposing syndrome. Also called: Neoplastic Syndromes, Hereditary; Tumor predisposition; Hereditary Cancer Syndrome; Hereditary neoplastic syndrome. Identifiers: Orphanet 140162, MedGen C0027672, MeSH D009386, MONDO:0015356.

Submission:

Ambry Genetics
Classification: Uncertain significance for Cardiovascular phenotype; Hereditary cancer-predisposing syndrome. Last evaluated: 2026-04-27. Review status: criteria provided, single submitter. Criteria: Ambry Variant Classification Scheme 2023. Collection method: clinical testing. Allele origin: germline.
Comment: The p.K326T variant (also known as c.977A>C), located in coding exon 9 of the NF1 gene, results from an A to C substitution at nucleotide position 977. The lysine at codon 326 is replaced by threonine, an amino acid with similar properties. This amino acid position is conserved. In addition, this alteration is predicted to be deleterious by in silico analysis. Based on the available evidence, the clinical significance of this variant remains unclear.

NM_001042492.3(NF1):c.977A>C (p.Lys326Thr)

Gene: NF1 (neurofibromin 1; plus strand). Cytogenetic location: 17q11.2.
Variant type: single nucleotide variant.
Coding change: c.977A>C on transcript NM_001042492.3 (MANE Select); coding-DNA position 977, A replaced by C.
Protein change: p.Lys326Thr; replaces lysine 326 with threonine.
Molecular consequence: missense variant.
Genome position (GRCh38, 1-based): chr17:31,200,510, A>C. VCF-style: chr17-31200510-A-C. GRCh37 (hg19) VCF-style: chr17-29527528-A-C.
Other names: c.977A>C, p.Lys326Thr (NM_000267.4, NM_001128147.3); short protein forms K326T.
Identifiers: ClinVar variation 4860942 (VCV004860942.1).